The following is an entry in ClinVar:

NM_003579.4(RAD54L):c.1941T>A (p.Asp647Glu)

Genes: LRRC41 (leucine rich repeat containing 41; minus strand), RAD54L (RAD54 like; plus strand). Cytogenetic location: 1p34.1.
Variant type: single nucleotide variant.
Coding change: c.1941T>A on transcript NM_003579.4 (MANE Select); coding-DNA position 1941, T replaced by A.
Protein change: p.Asp647Glu; replaces aspartic acid 647 with glutamic acid.
Molecular consequence: missense variant. On other transcripts: 3 prime UTR variant (1).
Genome position (GRCh38, 1-based): chr1:46,277,888, T>A. VCF-style: chr1-46277888-T-A. GRCh37 (hg19) VCF-style: chr1-46743560-T-A.
Other names: c.*977A>T (NM_006369.5); c.1941T>A, p.Asp647Glu (NM_001142548.2); c.1401T>A, p.Asp467Glu (NM_001370766.1); short protein forms D467E, D647E.
Identifiers: ClinVar variation 1783061 (VCV001783061.2), dbSNP rs1221995564, ClinGen allele CA340189622.
Genomic context (GRCh38, chr1:46,277,888, plus strand): 5'-TGAGGAGAAGATCTTCCAGCGTCAGAGCCACAAGAAGGCACTGAGCAGCTGTGTGGTGGA[T>A]GAGGAGCAGGATGTAGAGCGCCACTTCTCTCTGGGCGAGTTGAAGGAGCTGTTTATCCTG-3'
Protein context (NP_003570.2, residues 637-657): HKKALSSCVV[Asp647Glu]EEQDVERHFS

ClinVar aggregate classification (germline): Uncertain significance (1 of 4 stars; one submission).

gnomAD v4.1: 1 of 1,614,006 alleles (0.000062%); highest among the groups gnomAD compares: Non-Finnish European, 0.000085%; no homozygotes.

Submission:

Ambry Genetics
Classification: Uncertain significance. Last evaluated: 2021-06-23. Review status: criteria provided, single submitter. Criteria: Ambry Variant Classification Scheme 2023. Collection method: clinical testing. Allele origin: germline.
Comment: The p.D647E variant (also known as c.1941T>A), located in coding exon 17 of the RAD54L gene, results from a T to A substitution at nucleotide position 1941. The aspartic acid at codon 647 is replaced by glutamic acid, an amino acid with highly similar properties. This amino acid position is conserved. In addition, this alteration is predicted to be tolerated by in silico analysis. Since supporting evidence is limited at this time, the clinical significance of this alteration remains unclear.